The following is an entry in ClinVar:

Single allele

Gene: SLC6A6 (solute carrier family 6 member 6; plus strand). Cytogenetic location: 3p25.1.
Variant type: Deletion.
Identifiers: ClinVar variation 4070906 (VCV004070906.1).

ClinVar aggregate classification (germline): Uncertain significance (1 of 4 stars; one submission).

Conditions:
Hypotaurinemic retinal degeneration and cardiomyopathy. Also called: Hypertaurinuric cardiomyopathy. Identifiers: MedGen C5542181, MONDO:0007777, OMIM 145350.

Submission:

Broad Center for Mendelian Genomics, Broad Institute of MIT and Harvard
Classification: Uncertain significance for Hypotaurinemic retinal degeneration and cardiomyopathy. Last evaluated: 2025-06-23. Review status: criteria provided, single submitter. Criteria: ACMG/ClinGen CNV Guidelines, 2019. Collection method: research. Allele origin: unknown. Inheritance: Autosomal recessive inheritance. Affected: yes. Study: GREGoR Consortium.
Comment: Inheritance information is uninformative. The patient phenotype is nonspecific, but is consistent with cases described in the literature and/or published databases with overlapping variants. This variant is a deletion of one exon and is not predicted to alter the protein reading-frame. It is of note that loss of function of SLC6A6 in an autosomal recessive disease has not yet been established based on the criteria laid out in Tayoun et al., 2018 (PMID: 30192042). In summary, the clinical significance of the exon 11 deletion variant is uncertain. The ACMG/ClinGen evidence codes and points used in this curation are as follows: 1: 0 points, 2: 0 points, 3: 0 points, 4-5: 0.15 points; Total: 0.15 points; Riggs 2020 (PMID: 31690835).